The following is an entry in ClinVar:

NM_014264.5(PLK4):c.1237G>A (p.Gly413Arg)

Gene: PLK4 (polo like kinase 4; plus strand). Cytogenetic location: 4q28.1.
Variant type: single nucleotide variant.
Coding change: c.1237G>A on transcript NM_014264.5 (MANE Select); coding-DNA position 1237, G replaced by A.
Protein change: p.Gly413Arg; replaces glycine 413 with arginine.
Molecular consequence: missense variant.
Genome position (GRCh38, 1-based): chr4:127,886,607, G>A. VCF-style: chr4-127886607-G-A. GRCh37 (hg19) VCF-style: chr4-128807762-G-A.
Other names: c.1141G>A, p.Gly381Arg (NM_001190799.2); c.1114G>A, p.Gly372Arg (NM_001190801.2); short protein forms G372R, G381R, G413R.
Identifiers: ClinVar variation 2039084 (VCV002039084.4), dbSNP rs2546013887, ClinGen allele CA358153292.

ClinVar aggregate classification (germline): Uncertain significance (1 of 4 stars; one submission).

Submission:

Labcorp Genetics (formerly Invitae), Labcorp
Classification: Uncertain significance. Last evaluated: 2022-02-17. Review status: criteria provided, single submitter. Criteria: Invitae Variant Classification Sherloc (09022015). Collection method: clinical testing. Allele origin: germline.
Comment: This sequence change replaces glycine, which is neutral and non-polar, with arginine, which is basic and polar, at codon 413 of the PLK4 protein (p.Gly413Arg). In summary, the available evidence is currently insufficient to determine the role of this variant in disease. Therefore, it has been classified as a Variant of Uncertain Significance. Algorithms developed to predict the effect of missense changes on protein structure and function (SIFT, PolyPhen-2, Align-GVGD) all suggest that this variant is likely to be tolerated. This variant has not been reported in the literature in individuals affected with PLK4-related conditions. This variant is not present in population databases (gnomAD no frequency).